The following is an entry in ClinVar:

ClinVar aggregate classification (germline): Conflicting classifications of pathogenicity. Review status: criteria provided, conflicting classifications (1 of 4 stars). 5 submissions from 5 submitters: Pathogenic (1); Uncertain significance (4). Last evaluated 2025-11-28.

Conditions:
Dilated cardiomyopathy 1Y (CMD1Y). Identifiers: Orphanet 154, Orphanet 54260, MedGen C2678476, MONDO:0012744, OMIM 611878.
TPM1-related disorder. Also called: TPM1-related condition.
Hypertrophic cardiomyopathy. Also called: HYPERTROPHIC MYOCARDIOPATHY. Identifiers: Orphanet 217569, MedGen C0007194, MeSH D002312, MONDO:0005045, HP:0001639.

Submissions (5):

Molecular Genetics Laboratory, Motol Hospital
Classification: Pathogenic for Dilated cardiomyopathy 1Y. Last evaluated: 2025-11-28. Review status: criteria provided, single submitter. Criteria: ACMG Guidelines, 2015. Collection method: clinical testing. Allele origin: de novo. Affected: yes. Observed: 1 variant allele.
Comment: Rare variant not present in gnomAD (v4.1.0), reported in dbSNP (rs2140937312) and ClinVar (VCV001163098.11) (PM2, PS2). Rare variants affecting the TPM1 gene are associated with autosomal dominant "dilated cardiomyopathy-1Y" (CMD1Y; MIM:611878; PMID:11273725;PMID:39436707), autosomal dominant "left ventricular noncompation-9" and autosomal dominant "hypertrophic cardiomyopathy-3" (PP2, PP3). The variant is located in the mutation hotspot in the exon 4 of the TPM1 gene (PM1). To conclude, the variant c.398G>A is classified as pathogenic (PS2, PM2, PM1, PP2, PP3).

Labcorp Genetics (formerly Invitae), Labcorp
Classification: Uncertain significance for Hypertrophic cardiomyopathy. Last evaluated: 2024-02-23. Review status: criteria provided, single submitter. Criteria: Invitae Variant Classification Sherloc (09022015). Collection method: clinical testing. Allele origin: germline.
Comment: This sequence change replaces arginine, which is basic and polar, with glutamine, which is neutral and polar, at codon 133 of the TPM1 protein (p.Arg133Gln). This variant is not present in population databases (gnomAD no frequency). This variant has not been reported in the literature in individuals affected with TPM1-related conditions. ClinVar contains an entry for this variant (Variation ID: 1163098). An algorithm developed to predict the effect of missense changes on protein structure and function (PolyPhen-2) suggests that this variant is likely to be disruptive. In summary, the available evidence is currently insufficient to determine the role of this variant in disease. Therefore, it has been classified as a Variant of Uncertain Significance.

GeneDx
Classification: Uncertain significance. Last evaluated: 2023-04-26. Review status: criteria provided, single submitter. Criteria: GeneDx Variant Classification Process June 2021. Collection method: clinical testing. Allele origin: germline. Affected: yes.
Comment: Not observed at significant frequency in large population cohorts (gnomAD); In silico analysis supports that this missense variant has a deleterious effect on protein structure/function; Has not been previously published as pathogenic or benign to our knowledge

PreventionGenetics, part of Exact Sciences
Classification: Uncertain significance for TPM1-related condition. Last evaluated: 2022-11-06. Review status: criteria provided, single submitter. Criteria: ACMG Guidelines, 2015. Collection method: clinical testing. Allele origin: germline.
Comment: The TPM1 c.398G>A variant is predicted to result in the amino acid substitution p.Arg133Gln. To our knowledge, this variant has not been reported in the literature or in a large population database, indicating this variant is rare. At this time, the clinical significance of this variant is uncertain due to the absence of conclusive functional and genetic evidence.

Mayo Clinic Laboratories, Mayo Clinic
Classification: Uncertain significance. Last evaluated: 2019-05-20. Review status: criteria provided, single submitter. Criteria: ACMG Guidelines, 2015. Collection method: clinical testing. Allele origin: germline. Observed: 1 variant allele.

Literature cited by the submitters: PubMed 11273725 (cited by Molecular Genetics Laboratory, Motol Hospital); PubMed 39436707 (cited by Molecular Genetics Laboratory, Motol Hospital).

NM_001018005.2(TPM1):c.398G>A (p.Arg133Gln)

Gene: TPM1 (tropomyosin 1; plus strand). Cytogenetic location: 15q22.2.
Variant type: single nucleotide variant.
Coding change: c.398G>A on transcript NM_001018005.2 (MANE Select); coding-DNA position 398, G replaced by A.
Protein change: p.Arg133Gln; replaces arginine 133 with glutamine.
Molecular consequence: missense variant.
Genome position (GRCh38, 1-based): chr15:63,059,586, G>A. VCF-style: chr15-63059586-G-A. GRCh37 (hg19) VCF-style: chr15-63351785-G-A.
Other names: c.398G>A (NM_001018020.1); c.398G>A, p.Arg133Gln (NM_000366.6, NM_001018004.2, NM_001018006.2 and 6 more transcripts); c.290G>A, p.Arg97Gln (NM_001018008.2, NM_001301289.2, NM_001330344.2 and 5 more transcripts); c.524G>A, p.Arg175Gln (NM_001365778.1); short protein forms R133Q, R175Q, R97Q.
Identifiers: ClinVar variation 1163098 (VCV001163098.13), dbSNP rs2140937312, ClinGen allele CA392722037.
Genomic context (GRCh38, chr15:63,059,586, plus strand): 5'-CTAAATCTTGGGTTTTCTTGCTTGTCTTTCTTTTCAGAGGCATGAAAGTCATTGAGAGTC[G>A]AGCCCAAAAAGATGAAGAAAAAATGGAAATTCAGGAGATCCAACTGAAAGAGGCCAAGCA-3'
Protein context (NP_001018005.1, residues 123-143): SERGMKVIES[Arg133Gln]AQKDEEKMEI